The following is an entry in ClinVar:

NM_030928.4(CDT1):c.1472G>A (p.Ser491Asn)

Gene: CDT1 (chromatin licensing and DNA replication factor 1; plus strand). Cytogenetic location: 16q24.3.
Variant type: single nucleotide variant.
Coding change: c.1472G>A on transcript NM_030928.4 (MANE Select); coding-DNA position 1472, G replaced by A.
Protein change: p.Ser491Asn; replaces serine 491 with asparagine.
Molecular consequence: missense variant.
Genome position (GRCh38, 1-based): chr16:88,807,477, G>A. VCF-style: chr16-88807477-G-A. GRCh37 (hg19) VCF-style: chr16-88873885-G-A.
Other names: short protein forms S491N.
Identifiers: ClinVar variation 434678 (VCV000434678.18), dbSNP rs146199695, ClinGen allele CA8234173.

ClinVar aggregate classification (germline): Benign/Likely benign. Review status: criteria provided, multiple submitters, no conflicts (2 of 4 stars). 4 submissions from 4 submitters: Benign (2); Likely benign (1). 1 of the submissions does not count toward it. Last evaluated 2026-01-13.

Conditions:
CDT1-related disorder. Also called: CDT1-related condition.

Allele frequency attached by ClinVar (database versions not stated): ESP Exome Variant Server 0.00500; gnomAD 0.00536 and 0.00591; 1000 Genomes Project 30x 0.00562; 1000 Genomes Project 0.00579; TOPMed 0.00646.
gnomAD v4.1: 1,725 of 1,612,922 alleles (0.11%); highest among the groups gnomAD compares: African/African-American, 2%; 15 homozygotes.

Submissions (4):

Labcorp Genetics (formerly Invitae), Labcorp
Classification: Benign. Last evaluated: 2026-01-13. Review status: criteria provided, single submitter. Criteria: Invitae Variant Classification Sherloc (09022015). Collection method: clinical testing. Allele origin: germline.

Blueprint Genetics
Classification: Likely benign. Last evaluated: 2024-10-02. Review status: criteria provided, single submitter. Criteria: ACMG Guidelines, 2015. Collection method: clinical testing. Allele origin: germline.

Genetic Services Laboratory, University of Chicago
Classification: Benign. Last evaluated: 2017-04-19. Review status: criteria provided, single submitter. Criteria: ACMG Guidelines, 2015. Collection method: clinical testing. Allele origin: germline. Affected: no.

PreventionGenetics, part of Exact Sciences
Classification: Benign for CDT1-related condition. Last evaluated: 2024-08-14. Review status: no assertion criteria provided. Collection method: clinical testing. Allele origin: germline. Not counted in ClinVar's aggregate classification.
Comment: This variant is classified as benign based on ACMG/AMP sequence variant interpretation guidelines (Richards et al. 2015 PMID: 25741868, with internal and published modifications).